The following is an entry in ClinVar:

NM_015910.7(WDPCP):c.1950_1952del (p.Asn651del)

Gene: WDPCP (WD repeat containing planar cell polarity effector; minus strand). Cytogenetic location: 2p15.
Variant type: Deletion.
Coding change: c.1950_1952del on transcript NM_015910.7 (MANE Select); coding-DNA positions 1950 to 1952, 3 bases deleted (AAA; older notation c.1950_1952delAAA).
Protein change: p.Asn651del; deletes asparagine 651.
Molecular consequence: non-coding transcript variant (on NR_122106.2).
Genome position (GRCh38, 1-based): chr2:63,174,796-63,174,798, TTT deleted on the plus strand (AAA on the coding strand, the reverse complement: WDPCP is on the minus strand). VCF-style (leftmost placement, unchanged base first): chr2-63174795-ATTT-A. GRCh37 (hg19) VCF-style: chr2-63401930-ATTT-A.
Other names: c.1473_1475del, p.Asn492del (NM_001042692.3); c.1878_1880del, p.Asn627del (NM_001354044.2); short protein forms N492del, N627del, N651del.
Identifiers: ClinVar variation 3048745 (VCV003048745.2), dbSNP rs748512001, ClinGen allele CA1682043.

ClinVar aggregate classification (germline): Uncertain significance (0 of 4 stars; one submission).

Conditions:
WDPCP-related disorder. Also called: WDPCP-related condition.

Allele frequency attached by ClinVar (database versions not stated): gnomAD exomes below 0.00001; ExAC 0.00001; gnomAD 0.00001; TOPMed 0.00002.

Submission:

PreventionGenetics, part of Exact Sciences
Classification: Uncertain significance for WDPCP-related condition. Last evaluated: 2023-12-01. Review status: no assertion criteria provided. Collection method: clinical testing. Allele origin: germline.
Comment: The WDPCP c.1950_1952delAAA variant is predicted to result in an in-frame deletion (p.Asn651del). To our knowledge, this variant has not been reported in the literature. This variant is reported in 0.0065% of alleles in individuals of African descent in gnomAD. At this time, the clinical significance of this variant is uncertain due to the absence of conclusive functional and genetic evidence.